The following is an entry in ClinVar:

NM_130466.4(UBE3B):c.3148G>A (p.Val1050Ile)

Gene: UBE3B (ubiquitin protein ligase E3B; plus strand). Cytogenetic location: 12q24.11.
Variant type: single nucleotide variant.
Coding change: c.3148G>A on transcript NM_130466.4 (MANE Select); coding-DNA position 3148, G replaced by A.
Protein change: p.Val1050Ile; replaces valine 1050 with isoleucine.
Molecular consequence: missense variant.
Genome position (GRCh38, 1-based): chr12:109,534,723, G>A. VCF-style: chr12-109534723-G-A. GRCh37 (hg19) VCF-style: chr12-109972528-G-A.
Other names: c.3148G>A, p.Val1050Ile (NM_183415.3); short protein forms V1050I.
Identifiers: ClinVar variation 2048621 (VCV002048621.2), dbSNP rs779474280, ClinGen allele CA6778483.

ClinVar aggregate classification (germline): Uncertain significance. Review status: criteria provided, multiple submitters, no conflicts (2 of 4 stars). 2 submissions from 2 submitters: Uncertain significance (2). Last evaluated 2022-05-23.

Allele frequency attached by ClinVar (database versions not stated): gnomAD exomes 0.00004; gnomAD 0.00005; TOPMed 0.00008; ExAC 0.00017.

Submissions (2):

Labcorp Genetics (formerly Invitae), Labcorp
Classification: Uncertain significance. Last evaluated: 2022-05-23. Review status: criteria provided, single submitter. Criteria: Invitae Variant Classification Sherloc (09022015). Collection method: clinical testing. Allele origin: germline.
Comment: This sequence change replaces valine, which is neutral and non-polar, with isoleucine, which is neutral and non-polar, at codon 1050 of the UBE3B protein (p.Val1050Ile). This variant is present in population databases (rs779474280, gnomAD 0.1%). This variant has not been reported in the literature in individuals affected with UBE3B-related conditions. Algorithms developed to predict the effect of missense changes on protein structure and function output the following: SIFT: "Tolerated"; PolyPhen-2: "Benign"; Align-GVGD: "Class C0". The isoleucine amino acid residue is found in multiple mammalian species, which suggests that this missense change does not adversely affect protein function. In summary, the available evidence is currently insufficient to determine the role of this variant in disease. Therefore, it has been classified as a Variant of Uncertain Significance.

Blueprint Genetics
Classification: Uncertain significance. Last evaluated: 2021-11-24. Review status: criteria provided, single submitter. Criteria: ACMG Guidelines, 2015. Collection method: clinical testing. Allele origin: germline.